The following is an entry in ClinVar:

NM_006019.4(TCIRG1):c.713+1G>T

Gene: TCIRG1 (T cell immune regulator 1, ATPase H+ transporting V0 subunit a3; plus strand). Cytogenetic location: 11q13.2.
Variant type: single nucleotide variant.
Coding change: c.713+1G>T on transcript NM_006019.4 (MANE Select); the canonical splice donor site of the intron after coding-DNA position 713, G replaced by T.
Molecular consequence: splice donor variant.
Genome position (GRCh38, 1-based): chr11:68,043,654, G>T. VCF-style: chr11-68043654-G-T. GRCh37 (hg19) VCF-style: chr11-67811121-G-T.
Other names: c.-198+1G>T (NM_001351059.2); c.65+1G>T (NM_006053.4).
Identifiers: ClinVar variation 555158 (VCV000555158.7), dbSNP rs774308815, ClinGen allele CA6146780.

ClinVar aggregate classification (germline): Pathogenic/Likely pathogenic. Review status: criteria provided, multiple submitters, no conflicts (2 of 4 stars). 4 submissions from 4 submitters: Pathogenic (2); Likely pathogenic (1). 1 of the submissions does not count toward it. Last evaluated 2025-03-14.

Conditions:
Autosomal recessive osteopetrosis 1. Also called: TCIRG1-Related Osteopetrosis; ALBERS-SCHONBERG DISEASE, AUTOSOMAL RECESSIVE; TCIRG1-Related Autosomal Recessive Osteopetrosis. Identifiers: Orphanet 667, MedGen C1850127, MONDO:0009815, OMIM 259700.
VPS13A-related neurodegenerative disease. Also called: LEVINE-CRITCHLEY SYNDROME; Choreoacanthocytosis; Chorea-acanthocytosis; VPS13A Disease; Choreaacanthocytosis; ACANTHOCYTOSIS WITH NEUROLOGIC DISORDER. Identifiers: Orphanet 2388, MedGen C0393576, MONDO:0008695, OMIM 200150.

Allele frequency attached by ClinVar (database versions not stated): gnomAD exomes below 0.00001; ExAC 0.00001.
gnomAD v4.1: 4 of 1,606,642 alleles (0.00025%); highest among the groups gnomAD compares: Admixed American, 0.0017%; no homozygotes.

Submissions (4):

Natera, Inc.
Classification: Pathogenic for Infantile malignant osteopetrosis. Last evaluated: 2025-03-14. Review status: criteria provided, single submitter. Criteria: Natera Variant Classification Schema (03/2026). Collection method: clinical testing. Allele origin: germline.
Comment: The c.713+1G>T variant in TCIRG1 is a canonical splice donor site variant predicted to affect pre-mRNA splicing, which may result in an abnormal transcript and altered protein product. This variant is expected to result in nonsense mediated decay, truncation, or a dysfunctional protein product. This variant is rare in the general population with a frequency below the threshold expected for the associated phenotype(s). This variant has been observed in one or more individuals affected with the associated recessive disease, as either homozygous or compound heterozygous with a second variant (PMID: 15300850). Given the available evidence, this variant is classified as Pathogenic.

Labcorp Genetics (formerly Invitae), Labcorp
Classification: Pathogenic. Last evaluated: 2024-01-02. Review status: criteria provided, single submitter. Criteria: Invitae Variant Classification Sherloc (09022015). Collection method: clinical testing. Allele origin: germline.
Comment: This sequence change affects a donor splice site in intron 7 of the TCIRG1 gene. It is expected to disrupt RNA splicing. Variants that disrupt the donor or acceptor splice site typically lead to a loss of protein function (PMID: 16199547), and loss-of-function variants in TCIRG1 are known to be pathogenic (PMID: 10888887, 10942435, 11532986, 19448635). The frequency data for this variant in the population databases is considered unreliable, as metrics indicate poor data quality at this position in the gnomAD database. Disruption of this splice site has been observed in individual(s) with osteoporosis (PMID: 10888887, 11532986). In at least one individual the data is consistent with being in trans (on the opposite chromosome) from a pathogenic variant. This variant is also known as G4679T, G4680T. ClinVar contains an entry for this variant (Variation ID: 555158). Algorithms developed to predict the effect of sequence changes on RNA splicing suggest that this variant may disrupt the consensus splice site. For these reasons, this variant has been classified as Pathogenic.

Neuberg Centre For Genomic Medicine, NCGM
Classification: Likely pathogenic for VPS13A-related neurodegenerative disease. Review status: criteria provided, single submitter. Criteria: ACMG Guidelines, 2015. Collection method: clinical testing. Allele origin: germline. Inheritance: Autosomal recessive inheritance. Affected: yes.
Comment: The invariant splice donor c.713+1G>T variant has not been reported previously as a pathogenic variant nor as a benign variant, to our knowledge. The variant is reported with an allele frequency of 0.0004% in the gnomAD exomes database and is novel (not in any individuals) in 1000 Genomes database. This variant has been reported to the ClinVar database as Likely pathogenic. Loss of function variants have been previously reported to be disease causing. Functional studies are required to prove pathogenicity of the variant. For these reasons, this variant has been classified as Likely Pathogenic.

Counsyl
Classification: Likely pathogenic for Autosomal recessive osteopetrosis 1. Last evaluated: 2017-11-20. Review status: no assertion criteria provided. Collection method: clinical testing. Allele origin: unknown. Not counted in ClinVar's aggregate classification.

Literature cited by the submitters: PubMed 15300850 (cited by Natera, Inc.); PubMed 16199547 (cited by Labcorp Genetics (formerly Invitae), Labcorp); PubMed 10888887 (cited by Labcorp Genetics (formerly Invitae), Labcorp); PubMed 10942435 (cited by Labcorp Genetics (formerly Invitae), Labcorp); PubMed 11532986 (cited by Labcorp Genetics (formerly Invitae), Labcorp and Counsyl); PubMed 19448635 (cited by Labcorp Genetics (formerly Invitae), Labcorp); PubMed 25525159 (cited by Counsyl).